The following is an entry in ClinVar:

NM_006208.3(ENPP1):c.2007C>A (p.Asn669Lys)

Gene: ENPP1 (ectonucleotide pyrophosphatase/phosphodiesterase 1; plus strand). Cytogenetic location: 6q23.2.
Variant type: single nucleotide variant.
Coding change: c.2007C>A on transcript NM_006208.3 (MANE Select); coding-DNA position 2007, C replaced by A.
Protein change: p.Asn669Lys; replaces asparagine 669 with lysine.
Molecular consequence: missense variant.
Genome position (GRCh38, 1-based): chr6:131,879,941, C>A. VCF-style: chr6-131879941-C-A. GRCh37 (hg19) VCF-style: chr6-132201081-C-A.
Other names: short protein forms N669K.
Identifiers: ClinVar variation 2509330 (VCV002509330.5), dbSNP rs1782280147, ClinGen allele CA365653118.

ClinVar aggregate classification (germline): Uncertain significance. Review status: criteria provided, multiple submitters, no conflicts (2 of 4 stars). 2 submissions from 2 submitters: Uncertain significance (2). Last evaluated 2025-11-06.

Conditions:
Inborn genetic diseases. Identifiers: MedGen C0950123, MeSH D030342.
ENPP1-related disorder. Also called: ENPP1-related disorders; ENPP1-related condition.

Allele frequency attached by ClinVar (database versions not stated): gnomAD exomes 0.00001; TOPMed 0.00001; gnomAD 0.00001.
gnomAD v4.1: 22 of 1,612,988 alleles (0.0014%); highest among the groups gnomAD compares: Non-Finnish European, 0.0017%; no homozygotes.

Submissions (2):

Ambry Genetics
Classification: Uncertain significance for Inborn genetic diseases. Last evaluated: 2025-11-06. Review status: criteria provided, single submitter. Criteria: Ambry Variant Classification Scheme 2023. Collection method: clinical testing. Allele origin: germline.

PreventionGenetics, part of Exact Sciences
Classification: Uncertain significance for ENPP1-related condition. Last evaluated: 2025-10-23. Review status: criteria provided, single submitter. Criteria: ACMG Guidelines, 2015. Collection method: clinical testing. Allele origin: germline.
Comment: The ENPP1 c.2007C>A variant is predicted to result in the amino acid substitution p.Asn669Lys. To our knowledge, this variant has not been reported in the literature or in a large population database (gnomAD), indicating this variant is rare. At this time, the clinical significance of this variant is uncertain due to the absence of conclusive functional and genetic evidence.